The following is an entry in ClinVar:

ClinVar aggregate classification (germline): Uncertain significance. Review status: criteria provided, multiple submitters, no conflicts (2 of 4 stars). 2 submissions from 2 submitters: Uncertain significance (2). Last evaluated 2026-03-01.

Allele frequency attached by ClinVar (database versions not stated): TOPMed 0.00004; gnomAD 0.00005 and 0.00006; gnomAD exomes 0.00006 and 0.00007; ExAC 0.00007; ESP Exome Variant Server 0.00008; 1000 Genomes Project 30x 0.00016; 1000 Genomes Project 0.00020.
gnomAD v4.1: 118 of 1,603,452 alleles (0.0074%); highest among the groups gnomAD compares: Middle Eastern, 0.083%; no homozygotes.

Submissions (2):

CeGaT Center for Human Genetics Tuebingen
Classification: Uncertain significance. Last evaluated: 2026-03-01. Review status: criteria provided, single submitter. Criteria: CeGaT Center For Human Genetics Tuebingen Variant Classification Criteria Version 2. Collection method: clinical testing. Allele origin: germline. Affected: yes. Observed: 1 variant allele.
Comment: RELB: PM2, BP4

Labcorp Genetics (formerly Invitae), Labcorp
Classification: Uncertain significance. Last evaluated: 2025-09-10. Review status: criteria provided, single submitter. Criteria: Invitae Variant Classification Sherloc (09022015). Collection method: clinical testing. Allele origin: germline.
Comment: This sequence change replaces valine, which is neutral and non-polar, with isoleucine, which is neutral and non-polar, at codon 216 of the RELB protein (p.Val216Ile). This variant is present in population databases (rs147765259, gnomAD 0.01%). This variant has not been reported in the literature in individuals affected with RELB-related conditions. ClinVar contains an entry for this variant (Variation ID: 1363609). An algorithm developed to predict the effect of missense changes on protein structure and function outputs the following: PolyPhen-2: "Benign". The isoleucine amino acid residue is found in multiple mammalian species, which suggests that this missense change does not adversely affect protein function. In summary, the available evidence is currently insufficient to determine the role of this variant in disease. Therefore, it has been classified as a Variant of Uncertain Significance.

NM_006509.4(RELB):c.646G>A (p.Val216Ile)

Gene: RELB (RELB proto-oncogene, NF-kB subunit; plus strand). Cytogenetic location: 19q13.32.
Variant type: single nucleotide variant.
Coding change: c.646G>A on transcript NM_006509.4 (MANE Select); coding-DNA position 646, G replaced by A.
Protein change: p.Val216Ile; replaces valine 216 with isoleucine.
Molecular consequence: missense variant.
Genome position (GRCh38, 1-based): chr19:45,022,194, G>A. VCF-style: chr19-45022194-G-A. GRCh37 (hg19) VCF-style: chr19-45525452-G-A.
Other names: short protein forms V216I.
Identifiers: ClinVar variation 1363609 (VCV001363609.8), dbSNP rs147765259, ClinGen allele CA9507606.